The following is an entry in ClinVar:

NM_001371596.2(MFSD8):c.1490C>T (p.Thr497Ile)

Gene: MFSD8 (major facilitator superfamily domain containing 8; minus strand). Cytogenetic location: 4q28.2.
Variant type: single nucleotide variant.
Coding change: c.1490C>T on transcript NM_001371596.2 (MANE Select); coding-DNA position 1490, C replaced by T.
Protein change: p.Thr497Ile; replaces threonine 497 with isoleucine.
Molecular consequence: missense variant.
Genome position (GRCh38, 1-based): chr4:127,920,697, G>A on the plus strand (C>T on the coding strand, the complement: MFSD8 is on the minus strand). VCF-style: chr4-127920697-G-A. GRCh37 (hg19) VCF-style: chr4-128841852-G-A.
Other names: c.1289C>T, p.Thr430Ile (NM_001363520.3); c.1175C>T, p.Thr392Ile (NM_001363521.3); c.1355C>T, p.Thr452Ile (NM_001371590.2); c.1499C>T, p.Thr500Ile (NM_001371591.2); c.1496C>T, p.Thr499Ile (NM_001371592.2); c.1376C>T, p.Thr459Ile (NM_001371593.2); c.1343C>T, p.Thr448Ile (NM_001371594.2); c.1208C>T, p.Thr403Ile (NM_001371595.1); and 3 more; short protein forms T403I, T448I, T459I, T497I, T430I, T347I, T392I, T452I.
Identifiers: ClinVar variation 2148722 (VCV002148722.2), dbSNP rs1337770253, ClinGen allele CA358170576.

ClinVar aggregate classification (germline): Uncertain significance (1 of 4 stars; one submission).

Conditions:
Neuronal ceroid lipofuscinosis 7 (CLN7). Also called: MFSD8-Related Neuronal Ceroid-Lipofuscinosis. Identifiers: Orphanet 168491, Orphanet 228366, MedGen C1838571, MONDO:0012588, OMIM 610951.

Allele frequency attached by ClinVar (database versions not stated): gnomAD exomes below 0.00001; TOPMed 0.00001.
gnomAD v4.1: 4 of 1,613,996 alleles (0.00025%); highest among the groups gnomAD compares: Admixed American, 0.005%; no homozygotes.

Submission:

Labcorp Genetics (formerly Invitae), Labcorp
Classification: Uncertain significance for Neuronal ceroid lipofuscinosis 7. Last evaluated: 2025-10-20. Review status: criteria provided, single submitter. Criteria: Invitae Variant Classification Sherloc (09022015). Collection method: clinical testing. Allele origin: germline.
Comment: This sequence change replaces threonine, which is neutral and polar, with isoleucine, which is neutral and non-polar, at codon 497 of the MFSD8 protein (p.Thr497Ile). This variant is present in population databases (no rsID available, gnomAD 0.009%). This variant has not been reported in the literature in individuals affected with MFSD8-related conditions. ClinVar contains an entry for this variant (Variation ID: 2148722). Invitae Evidence Modeling of protein sequence and biophysical properties (such as structural, functional, and spatial information, amino acid conservation, physicochemical variation, residue mobility, and thermodynamic stability) indicates that this missense variant is not expected to disrupt MFSD8 protein function with a negative predictive value of 80%. In summary, the available evidence is currently insufficient to determine the role of this variant in disease. Therefore, it has been classified as a Variant of Uncertain Significance.